The following is an entry in ClinVar:

NM_024642.5(GALNT12):c.870T>C (p.Val290=)

Gene: GALNT12 (polypeptide N-acetylgalactosaminyltransferase 12; plus strand). Cytogenetic location: 9q22.33.
Variant type: single nucleotide variant.
Coding change: c.870T>C on transcript NM_024642.5 (MANE Select); coding-DNA position 870, T replaced by C.
Protein change: p.Val290=; no amino-acid change (valine 290 retained).
Molecular consequence: synonymous variant.
Genome position (GRCh38, 1-based): chr9:98,831,910, T>C. VCF-style: chr9-98831910-T-C. GRCh37 (hg19) VCF-style: chr9-101594192-T-C.
Identifiers: ClinVar variation 4876140 (VCV004876140.1).

ClinVar aggregate classification (germline): Benign (1 of 4 stars; one submission).

Conditions:
Colorectal cancer, susceptibility to, 1. Also called: COLORECTAL ADENOMA AND CANCER, SUSCEPTIBILITY TO; COLORECTAL CANCER, SUSCEPTIBILITY TO, ON CHROMOSOME 9. Identifiers: MedGen C1837315, MONDO:0012132, OMIM 608812.

gnomAD v4.1: 4 of 1,614,140 alleles (0.00025%); highest among the groups gnomAD compares: Non-Finnish European, 0.00034%; no homozygotes.

Submission:

Myriad Genetics, Inc.
Classification: Benign for Colorectal cancer, susceptibility to, 1. Last evaluated: 2026-04-24. Review status: criteria provided, single submitter. Criteria: Myriad Autosomal Dominant, Autosomal Recessive and X-Linked Classification Criteria (2023). Collection method: clinical testing. Allele origin: unknown.
Comment: This variant is considered benign. This variant is a silent/synonymous amino acid change and it is not expected to impact splicing.